The following is an entry in ClinVar:

NM_001486.4(GCKR):c.429-39_429-7delinsGGCTGGAAAG

Gene: GCKR (glucokinase regulator; plus strand). Cytogenetic location: 2p23.3.
Variant type: Indel.
Coding change: c.429-39_429-7delinsGGCTGGAAAG on transcript NM_001486.4 (MANE Select); 39 bases into the intron before coding-DNA position 429 through 7 bases into the intron before coding-DNA position 429, the reference bases replaced by GGCTGGAAAG.
Molecular consequence: intron variant.
Genome position (GRCh38, 1-based): chr2:27,499,103-27,499,135, 33 bases replaced. GRCh37 (hg19): chr2:27,721,970-27,722,002.
Identifiers: ClinVar variation 4724277 (VCV004724277.1).
Genomic context (GRCh38, chr2:27,499,103, plus strand): 5'-GTTTTCCCTTTATGCGCATCTCTTAATGTAGCCTGCCCTAATACGCCATAGGCTTCTGCT[TTCCAGCCACTGCCACTGACCTTGAGTCTGTCC>GGCTGGAAAG]TCTTAGGTCTGTGGTGGCCTCTAGGGAGGGGACAGAAGATAGTGCCTTGCACGGGATTGA-3'

ClinVar aggregate classification (germline): Uncertain significance (1 of 4 stars; one submission).

Submission:

Labcorp Genetics (formerly Invitae), Labcorp
Classification: Uncertain significance. Last evaluated: 2025-07-29. Review status: criteria provided, single submitter. Criteria: Invitae Variant Classification Sherloc (09022015). Collection method: clinical testing. Allele origin: germline.
Comment: This sequence change falls in intron 5 of the GCKR gene. It does not directly change the encoded amino acid sequence of the GCKR protein. This variant is not present in population databases (gnomAD no frequency). This variant has not been reported in the literature in individuals affected with GCKR-related conditions. Experimental studies and prediction algorithms are not available or were not evaluated, and the effect of this variant on mRNA splicing is currently unknown. In summary, the available evidence is currently insufficient to determine the role of this variant in disease. Therefore, it has been classified as a Variant of Uncertain Significance.